The following is an entry in ClinVar:

NM_004525.3(LRP2):c.13200-3C>T

Gene: LRP2 (LDL receptor related protein 2; minus strand). Cytogenetic location: 2q31.1.
Variant type: single nucleotide variant.
Coding change: c.13200-3C>T on transcript NM_004525.3 (MANE Select); 3 bases into the intron before coding-DNA position 13200, C replaced by T.
Molecular consequence: intron variant.
Genome position (GRCh38, 1-based): chr2:169,139,613, G>A on the plus strand (C>T on the coding strand, the complement: LRP2 is on the minus strand). VCF-style: chr2-169139613-G-A. GRCh37 (hg19) VCF-style: chr2-169996123-G-A.
Identifiers: ClinVar variation 5000183 (VCV005000183.1).
Genomic context (GRCh38, chr2:169,139,613, plus strand): 5'-AGAGATGCCTTTTGAAAACGCCATTTCACAATATTTTCCGGTGTAGCCGCTAGGACACCT[G>A]AAAGGAAAAAGCAAATCATTCACTAGCTGTTATGTTCTTAGGCTTCTACTGCATTTTTCT-3'

ClinVar aggregate classification (germline): Likely benign (1 of 4 stars; one submission).

Conditions:
LRP2-related disorder. Also called: LRP2-related condition.

Submission:

PreventionGenetics, part of Exact Sciences
Classification: Likely benign for LRP2-related condition. Last evaluated: 2025-05-26. Review status: criteria provided, single submitter. Criteria: ACMG Guidelines, 2015. Collection method: clinical testing. Allele origin: germline.
Comment: This variant is classified as likely benign based on ACMG/AMP sequence variant interpretation guidelines (Richards et al. 2015 PMID: 25741868, with internal and published modifications).